The following is an entry in ClinVar:

ClinVar aggregate classification (germline): Pathogenic/Likely pathogenic. Review status: criteria provided, multiple submitters, no conflicts (2 of 4 stars). 17 submissions from 17 submitters: Pathogenic (13); Likely pathogenic (1). 3 of the submissions do not count toward it. Last evaluated 2026-01-11.

Conditions:
TTN-related disorder. Also called: TTN-related condition; TTN-related disease; TTN-related disorders.
Dilated cardiomyopathy 1G (CMD1G). Identifiers: Orphanet 154, MedGen C1858763, MONDO:0011400, OMIM 604145.
Autosomal recessive limb-girdle muscular dystrophy type 2J (LGMDR10). Also called: MUSCULAR DYSTROPHY, LIMB-GIRDLE, AUTOSOMAL RECESSIVE 10; Limb-girdle muscular dystrophy, type 2J. Identifiers: Orphanet 140922, MedGen C1837342, MONDO:0012127, OMIM 608807.
Cardiovascular phenotype. Identifiers: MedGen CN230736.
Myopathy, myofibrillar, 9, with early respiratory failure (MFM9). Also called: Myopathy, distal, with early respiratory failure, autosomal dominant; MYOPATHY, PROXIMAL, WITH EARLY RESPIRATORY MUSCLE INVOLVEMENT; Hereditary myopathy with early respiratory failure; EDSTROM MYOPATHY. Identifiers: Orphanet 178464, Orphanet 34521, MedGen C1863599, MONDO:0011362, OMIM 603689.
Hypertrophic cardiomyopathy 9. Also called: Familial hypertrophic cardiomyopathy 9. Identifiers: MedGen C1861065, MONDO:0013412, OMIM 613765.
Tibial muscular dystrophy (TMD). Also called: Tibial muscular dystrophy, tardive; UDD MYOPATHY; Udd Distal Myopathy – Tibial Muscular Dystrophy. Identifiers: Orphanet 609, MedGen C1838244, MONDO:0010870, OMIM 600334.
Early-onset myopathy with fatal cardiomyopathy (CMYO5). Also called: Salih Myopathy; CONGENITAL MYOPATHY 5 WITH CARDIOMYOPATHY. Identifiers: Orphanet 289377, MedGen C2673677, MONDO:0012714, OMIM 611705. Disease mechanism: loss of function.
Cardiomyopathy (CMYO). Also called: Cardiomyopathies. Identifiers: Orphanet 167848, MedGen C0878544, MONDO:0004994, HP:0001638. Inheritance: Various modes of inheritance.

Allele frequency attached by ClinVar (database versions not stated): gnomAD exomes below 0.00001.
gnomAD v4.1: 5 of 1,607,950 alleles (0.00031%); highest among the groups gnomAD compares: Non-Finnish European, 0.00026%; no homozygotes.

Submissions (17):

Labcorp Genetics (formerly Invitae), Labcorp
Classification: Pathogenic for Dilated cardiomyopathy 1G; Autosomal recessive limb-girdle muscular dystrophy type 2J. Last evaluated: 2026-01-11. Review status: criteria provided, single submitter. Criteria: Invitae Variant Classification Sherloc (09022015). Collection method: clinical testing. Allele origin: germline.
Comment: This sequence change replaces cysteine, which is neutral and slightly polar, with arginine, which is basic and polar, at codon 31712 of the TTN protein (p.Cys31712Arg). This variant is present in population databases (no rsID available, gnomAD 0.0009%). This missense change has been observed in individual(s) with autosomal dominant hereditary myopathy with early respiratory failure (HMERF) (PMID: 24444549, 24980681, 25500009). It has also been observed to segregate with disease in related individuals. This variant is also known as g.274375T4C (p.Cys30071Arg). ClinVar contains an entry for this variant (Variation ID: 132133). Algorithms developed to predict the effect of variants on gene product structure and function are not available or were not evaluated for this variant. Experimental studies have shown that this missense change affects TTN function (PMID: 24636144). This variant is located in the A band of TTN (PMID: 25589632). Variants in this region may be relevant for cardiac or neuromuscular disorders (PMID: 25589632, 23975875). For these reasons, this variant has been classified as Pathogenic.

Revvity Omics, Revvity
Classification: Pathogenic. Last evaluated: 2025-04-14. Review status: criteria provided, single submitter. Criteria: ACMG Guidelines, 2015. Collection method: clinical testing. Allele origin: germline.

3billion
Classification: Pathogenic for Myopathy, myofibrillar, 9, with early respiratory failure. Last evaluated: 2024-12-24. Review status: criteria provided, single submitter. Criteria: ACMG Guidelines, 2015. Collection method: clinical testing. Allele origin: germline. Affected: yes.
Comment: The variant is observed at an extremely low frequency in the gnomAD v4.1.0 dataset (total allele frequency: <0.001%). Predicted Consequence/Location: Missense variant. The majority of the known disease-causing variants of this gene are variants expected to result in premature termination of the protein. In silico tool predictions suggest damaging effect of the variant on gene or gene product [REVEL: 0.79 (>=0.6, sensitivity 0.68 and specificity 0.92); 3Cnet: 0.76 (>=0.6, sensitivity 0.72 and precision 0.9)]. The same nucleotide change resulting in the same amino acid change has been previously reported as pathogenic/likely pathogenic with strong evidence (ClinVar ID: VCV000132133 /3billion dataset). The variant has been observed in multiple (>3) similarly affected unrelated individuals (PMID: 23514108, 24444549, 25500009). Therefore, this variant is classified as Pathogenic according to the recommendation of ACMG/AMP guideline.

Fulgent Genetics
Classification: Pathogenic for Tibial muscular dystrophy; Myopathy, myofibrillar, 9, with early respiratory failure; Dilated cardiomyopathy 1G; Autosomal recessive limb-girdle muscular dystrophy type 2J; Early-onset myopathy with fatal cardiomyopathy; Hypertrophic cardiomyopathy 9. Last evaluated: 2024-05-01. Review status: criteria provided, single submitter. Criteria: ACMG Guidelines, 2015. Collection method: clinical testing. Allele origin: germline.

Molecular Diagnostic Laboratory for Inherited Cardiovascular Disease, Montreal Heart Institute
Classification: Pathogenic for Cardiovascular phenotype. Last evaluated: 2024-04-15. Review status: criteria provided, single submitter. Criteria: ACMG Guidelines, 2015. Collection method: clinical testing. Allele origin: germline. Affected: yes.
Comment: PS4, PP1_strong, PM1, PM2, PS3_supp, PP3, PP5

Genomic Medicine Center of Excellence, King Faisal Specialist Hospital and Research Centre
Classification: Likely pathogenic for Dilated cardiomyopathy 1G. Last evaluated: 2024-03-26. Review status: criteria provided, single submitter. Criteria: ACMG Guidelines, 2015. Collection method: clinical testing. Allele origin: germline.

Clinical Genetics Laboratory, Skane University Hospital Lund
Classification: Pathogenic. Last evaluated: 2024-02-21. Review status: criteria provided, single submitter. Criteria: ACMG Guidelines, 2015. Collection method: clinical testing. Allele origin: germline. Affected: yes.

CeGaT Center for Human Genetics Tuebingen
Classification: Pathogenic. Last evaluated: 2023-08-01. Review status: criteria provided, single submitter. Criteria: CeGaT Center For Human Genetics Tuebingen Variant Classification Criteria Version 2. Collection method: clinical testing. Allele origin: germline. Affected: yes. Observed: 2 variant alleles.
Comment: TTN: PP1:Strong, PM1, PM2, PM5, PP4, PS4:Supporting

GeneDx
Classification: Pathogenic. Last evaluated: 2020-10-16. Review status: criteria provided, single submitter. Criteria: GeneDx Variant Classification Process June 2021. Collection method: clinical testing. Allele origin: germline. Affected: yes.
Comment: Published functional studies demonstrate a that C30071R impairs solubility of the 119th fibronectin-3 domain, causing defective protein folding (Hedberg et al., 2014); Not observed at a significant frequency in large population cohorts (Lek et al., 2016); In silico analysis, which includes protein predictors and evolutionary conservation, supports a deleterious effect; This variant is associated with the following publications: (PMID: 32039858, 27854229, 22577215, 24636144, 24444549, 29435569, 23514108, 25500009, 22577218, 30666435, 24980681, 24575448, 26518445, 26269091, 25253871, 32403337, 32307395)

Blueprint Genetics
Classification: Pathogenic for TTN-related disorders. Last evaluated: 2020-09-11. Review status: criteria provided, single submitter. Criteria: ACMG Guidelines, 2015. Collection method: clinical testing. Allele origin: germline. Affected: yes. Observed: 4 variant alleles.

Athena Diagnostics
Classification: Pathogenic. Last evaluated: 2017-07-27. Review status: criteria provided, single submitter. Criteria: Athena Diagnostics Criteria. Collection method: clinical testing. Allele origin: germline.

CHEO Genetics Diagnostic Laboratory, Children's Hospital of Eastern Ontario
Classification: Pathogenic for Cardiomyopathy. Last evaluated: 2017-05-23. Review status: criteria provided, single submitter. Criteria: ACMG Guidelines, 2015. Collection method: clinical testing. Allele origin: germline. Study: Canadian Open Genetics Repository.

Eurofins Ntd Llc (ga)
Classification: Pathogenic. Last evaluated: 2016-01-08. Review status: criteria provided, single submitter. Criteria: EGL Classification Definitions 2015. Collection method: clinical testing. Allele origin: germline. Observed: 2 variant alleles, 2 heterozygotes.

Neuberg Centre For Genomic Medicine, NCGM
Classification: Pathogenic for Myopathy, myofibrillar, 9, with early respiratory failure. Review status: criteria provided, single submitter. Criteria: ACMG Guidelines, 2015. Collection method: clinical testing. Allele origin: germline. Inheritance: Autosomal dominant inheritance. Affected: yes.
Comment: The TTN c.95134T>C variant has been reported in heterozygous state in individuals affected with Myopathy, myofibrillar, 9, with early respiratory failure (Chauveau et. al., 2014; Pfeffer et. al., 2014). It is a common cause of HMERF in individuals of many different ancestries (Pfeffer et. al., 2014, Yue et. al., 2015). Experimental studies have found that this missense change may interfere with the proper folding of the fibronectin III domain 119 of the TTN protein (Hedberg et. al., 2014). This variant has been reported to the ClinVar database as Pathogenic. The p.Cys31712Arg variant is novel (not in any individuals) in 1000 Genomes and has an allele frequency of 0.0004109% in gnomAD database. The amino acid Cys at position 31712 is changed to a Arg changing protein sequence and it might alter its composition and physico-chemical properties. For these reasons, this variant has been classified as Pathogenic.

Solve-RD Consortium
Classification: Likely pathogenic for Autosomal recessive limb-girdle muscular dystrophy type 2J. Last evaluated: 2022-06-01. Review status: no assertion criteria provided. Collection method: provider interpretation. Allele origin: inherited. Affected: yes. Not counted in ClinVar's aggregate classification.
Comment: Variant confirmed as disease-causing by referring clinical team

Variant identified during reanalysis of unsolved cases by the Solve-RD project. The Solve-RD project has received funding from the European Union’s Horizon 2020 research and innovation programme under grant agreement No 779257.

OMIM
Classification: Pathogenic for MYOPATHY, MYOFIBRILLAR, 9, WITH EARLY RESPIRATORY FAILURE. Last evaluated: 2014-03-01. Review status: no assertion criteria provided. Collection method: literature only. Allele origin: germline. Not counted in ClinVar's aggregate classification.

GeneReviews
No classification provided. Condition: Myopathy, myofibrillar, 9, with early respiratory failure. Review status: no classification provided. Collection method: literature only. Allele origin: germline. Not counted in ClinVar's aggregate classification.

Literature cited by the submitters: PubMed 24444549 (cited by 3 submitters); PubMed 24980681 (cited by Labcorp Genetics (formerly Invitae), Labcorp and Athena Diagnostics); PubMed 25500009 (cited by 3 submitters); PubMed 24636144 (cited by Labcorp Genetics (formerly Invitae), Labcorp and Athena Diagnostics); PubMed 25589632 (cited by Labcorp Genetics (formerly Invitae), Labcorp); PubMed 23975875 (cited by Labcorp Genetics (formerly Invitae), Labcorp); PubMed 23514108 (cited by 3billion and Athena Diagnostics); PubMed 23486992 (cited by 3 submitters); PubMed 22577218 (cited by Athena Diagnostics and GeneReviews); PubMed 22577215 (cited by 3 submitters); PubMed 23852418 (cited by Athena Diagnostics); PubMed 27854229 (cited by Athena Diagnostics); PubMed 26518445 (cited by Athena Diagnostics); PubMed 26269091 (cited by Athena Diagnostics); PubMed 23606733 (cited by Athena Diagnostics and GeneReviews); PubMed 25253871 (cited by Athena Diagnostics); PubMed 23620651 (cited by Athena Diagnostics); PubMed 22577220 (cited by Athena Diagnostics); PubMed 23995273 (cited by Athena Diagnostics); PubMed 39825153 (cited by Solve-RD Consortium); PubMed 11310621 (cited by OMIM); PubMed 16084088 (cited by OMIM); PubMed 24384345 (cited by GeneReviews); PubMed 24575448 (cited by GeneReviews).

NM_001267550.2(TTN):c.95134T>C (p.Cys31712Arg)

Genes: TTN (titin; minus strand), TTN-AS1 (TTN antisense RNA 1; plus strand). Cytogenetic location: 2q31.2.
Variant type: single nucleotide variant.
Coding change: c.95134T>C on transcript NM_001267550.2 (MANE Select); coding-DNA position 95134, T replaced by C.
Protein change: p.Cys31712Arg; replaces cysteine 31712 with arginine.
Molecular consequence: missense variant.
Genome position (GRCh38, 1-based): chr2:178,546,102, A>G on the plus strand (T>C on the coding strand, the complement: TTN is on the minus strand). VCF-style: chr2-178546102-A-G. GRCh37 (hg19) VCF-style: chr2-179410829-A-G.
Other names: Q8WZ42.4:p.Cys30071Arg; c.95134T>C (LRG_391t1); c.90211T>C, p.Cys30071Arg (NM_001256850.1); c.67939T>C, p.Cys22647Arg (NM_003319.4); c.87430T>C, p.Cys29144Arg (NM_133378.4); c.68314T>C, p.Cys22772Arg (NM_133432.3); c.68515T>C, p.Cys22839Arg (NM_133437.4); short protein forms C31712R, C30071R, C29144R, C22647R, C22772R, C22839R.
Identifiers: ClinVar variation 132133 (VCV000132133.61), dbSNP rs869320740, ClinGen allele CA358820.